The following is an entry in ClinVar:

NM_002335.4(LRP5):c.2273G>A (p.Arg758Lys)

Gene: LRP5 (LDL receptor related protein 5; plus strand). Cytogenetic location: 11q13.2.
Variant type: single nucleotide variant.
Coding change: c.2273G>A on transcript NM_002335.4 (MANE Select); coding-DNA position 2273, G replaced by A.
Protein change: p.Arg758Lys; replaces arginine 758 with lysine.
Molecular consequence: missense variant.
Genome position (GRCh38, 1-based): chr11:68,410,095, G>A. VCF-style: chr11-68410095-G-A. GRCh37 (hg19) VCF-style: chr11-68177563-G-A.
Other names: c.530G>A, p.Arg177Lys (NM_001291902.2); short protein forms R177K, R758K.
Identifiers: ClinVar variation 2960686 (VCV002960686.4), dbSNP rs2496740763, ClinGen allele CA381616644.
Genomic context (GRCh38, chr11:68,410,095, plus strand): 5'-GGACCAACAGAATCGAAGTGGCGCGGCTGGACGGGCAGTTCCGGCAAGTCCTCGTGTGGA[G>A]GGACTTGGACAACCCGAGGTCGCTGGCCCTGGATCCCACCAAGGGGTAAGTGTTTGCCTG-3'
Protein context (NP_002326.2, residues 748-768): DGQFRQVLVW[Arg758Lys]DLDNPRSLAL

ClinVar aggregate classification (germline): Uncertain significance. Review status: criteria provided, multiple submitters, no conflicts (2 of 4 stars). 2 submissions from 2 submitters: Uncertain significance (2). Last evaluated 2025-12-18.

Conditions:
Worth disease. Also called: ENDOSTEAL HYPEROSTOSIS, AUTOSOMAL DOMINANT; OSTEOSCLEROSIS, AUTOSOMAL DOMINANT; Autosomal dominant osteosclerosis, Worth type. Identifiers: Orphanet 2790, MedGen C0432273, MONDO:0007764, OMIM 144750.
Bone mineral density quantitative trait locus 1 (BMND1). Identifiers: MedGen C1866079, OMIM 601884.
Osteoporosis with pseudoglioma (OPPG). Also called: osteoporosis-pseudoglioma syndrome. Identifiers: Orphanet 2788, MedGen C0432252, MONDO:0009820, OMIM 259770.
Polycystic liver disease 4 with or without kidney cysts. Identifiers: MedGen C4693479, MONDO:0044327, OMIM 617875.
Exudative vitreoretinopathy 4 (EVR4). Identifiers: Orphanet 891, MedGen C1866176, MONDO:0011151, OMIM 601813.
Autosomal dominant osteopetrosis 1 (OPTA1). Also called: OSTEOPETROSIS, AUTOSOMAL DOMINANT, TYPE I. Identifiers: Orphanet 2783, MedGen C1843330, MONDO:0011877, OMIM 607634.

Submissions (2):

Labcorp Genetics (formerly Invitae), Labcorp
Classification: Uncertain significance. Last evaluated: 2025-12-18. Review status: criteria provided, single submitter. Criteria: Invitae Variant Classification Sherloc (09022015). Collection method: clinical testing. Allele origin: germline.
Comment: This sequence change replaces arginine, which is basic and polar, with lysine, which is basic and polar, at codon 758 of the LRP5 protein (p.Arg758Lys). This variant is not present in population databases (gnomAD no frequency). This missense change has been observed in individuals with early-onset osteoporosis (PMID: 35252483, 39316135). ClinVar contains an entry for this variant (Variation ID: 2960686). Invitae Evidence Modeling of protein sequence and biophysical properties (such as structural, functional, and spatial information, amino acid conservation, physicochemical variation, residue mobility, and thermodynamic stability) indicates that this missense variant is not expected to disrupt LRP5 protein function with a negative predictive value of 95%. In summary, the available evidence is currently insufficient to determine the role of this variant in disease. Therefore, it has been classified as a Variant of Uncertain Significance.

Fulgent Genetics
Classification: Uncertain significance for Worth disease; Osteoporosis with pseudoglioma; Exudative vitreoretinopathy 4; Bone mineral density quantitative trait locus 1; Autosomal dominant osteopetrosis 1; Polycystic liver disease 4 with or without kidney cysts. Last evaluated: 2024-04-05. Review status: criteria provided, single submitter. Criteria: ACMG Guidelines, 2015. Collection method: clinical testing. Allele origin: germline.

Literature cited by the submitters: PubMed 35252483 (cited by Labcorp Genetics (formerly Invitae), Labcorp); PubMed 39316135 (cited by Labcorp Genetics (formerly Invitae), Labcorp).